The following is an entry in ClinVar:

ClinVar aggregate classification (germline): Conflicting classifications of pathogenicity. Review status: criteria provided, conflicting classifications (1 of 4 stars). 4 submissions from 4 submitters: Uncertain significance (2); Benign (1). 1 of the submissions does not count toward it. Last evaluated 2026-02-25.

Conditions:
HEPACAM-related disorder. Also called: HEPACAM-related condition.

Allele frequency attached by ClinVar (database versions not stated): TOPMed 0.00004; ExAC 0.00030; gnomAD 0.00007; gnomAD exomes 0.00013; 1000 Genomes Project 30x 0.00047; 1000 Genomes Project 0.00020.

Submissions (4):

GeneDx
Classification: Uncertain significance. Last evaluated: 2026-02-25. Review status: criteria provided, single submitter. Criteria: GeneDx Variant Classification Process June 2021. Collection method: clinical testing. Allele origin: germline.
Comment: In silico analysis supports that this missense variant has a deleterious effect on protein structure/function; Has not been previously published as pathogenic or benign to our knowledge

Labcorp Genetics (formerly Invitae), Labcorp
Classification: Benign. Last evaluated: 2023-12-22. Review status: criteria provided, single submitter. Criteria: Invitae Variant Classification Sherloc (09022015). Collection method: clinical testing. Allele origin: germline.

Revvity Omics, Revvity
Classification: Uncertain significance. Last evaluated: 2023-11-03. Review status: criteria provided, single submitter. Criteria: ACMG Guidelines, 2015. Collection method: clinical testing. Allele origin: germline.

PreventionGenetics, part of Exact Sciences
Classification: Likely benign for HEPACAM-related condition. Last evaluated: 2022-11-14. Review status: no assertion criteria provided. Collection method: clinical testing. Allele origin: germline. Not counted in ClinVar's aggregate classification.
Comment: This variant is classified as likely benign based on ACMG/AMP sequence variant interpretation guidelines (Richards et al. 2015 PMID: 25741868, with internal and published modifications).

NM_152722.5(HEPACAM):c.115C>T (p.Pro39Ser)

Gene: HEPACAM (hepatic and glial cell adhesion molecule; minus strand). Cytogenetic location: 11q24.2.
Variant type: single nucleotide variant.
Coding change: c.115C>T on transcript NM_152722.5 (MANE Select); coding-DNA position 115, C replaced by T.
Protein change: p.Pro39Ser; replaces proline 39 with serine.
Molecular consequence: missense variant.
Genome position (GRCh38, 1-based): chr11:124,925,040, G>A on the plus strand (C>T on the coding strand, the complement: HEPACAM is on the minus strand). VCF-style: chr11-124925040-G-A. GRCh37 (hg19) VCF-style: chr11-124794936-G-A.
Other names: c.115C>T (NM_152722.4); c.115C>T, p.Pro39Ser (NM_001411043.1); short protein forms P39S.
Identifiers: ClinVar variation 1897464 (VCV001897464.10), dbSNP rs545531081, ClinGen allele CA6345815.
Genomic context (GRCh38, chr11:124,925,040, plus strand): 5'-TGCTGTACTGCACAGAAAGCAGAGCCGACTTCCCCACGGTGCCATGGATCAGGCGCACGG[G>A]GCTGGTGATGTTCACCCCCTCCAGGGGGTCTGTGAACAGAGGCCCATGAGGAAGAGGGAA-3'
Protein context (NP_689935.2, residues 29-49): DPLEGVNITS[Pro39Ser]VRLIHGTVGK